The following is an entry in ClinVar:

NM_001374828.1(ARID1B):c.2359C>A (p.Gln787Lys)

Gene: ARID1B (AT-rich interaction domain 1B; plus strand). Cytogenetic location: 6q25.3.
Variant type: single nucleotide variant.
Coding change: c.2359C>A on transcript NM_001374828.1 (MANE Select); coding-DNA position 2359, C replaced by A.
Protein change: p.Gln787Lys; replaces glutamine 787 with lysine.
Molecular consequence: missense variant. On other transcripts: 5 prime UTR variant (1).
Genome position (GRCh38, 1-based): chr6:157,084,773, C>A. VCF-style: chr6-157084773-C-A. GRCh37 (hg19) VCF-style: chr6-157405907-C-A.
Other names: c.2110C>A, p.Gln704Lys (NM_001346813.1); c.-141C>A (NM_001363725.2); c.2398C>A, p.Gln800Lys (NM_001371656.1, NM_001374820.1); c.2359C>A, p.Gln787Lys (NM_017519.3); c.2149C>A, p.Gln717Lys (NM_020732.3); c.1936C>A, p.Gln646Lys (NM_175863.2); short protein forms Q646K, Q704K, Q787K, Q800K, Q717K.
Identifiers: ClinVar variation 2914315 (VCV002914315.4), dbSNP rs753933273, ClinGen allele CA4067026.
Genomic context (GRCh38, chr6:157,084,773, plus strand): 5'-AGCTCAGCAGTCAGTGCATCCGGGTCCACGAGCAGCCAAGGGGATCAGAGCAACCCGGCG[C>A]AGTCGCCTTTCTCCCCACATGCGTCCCCTCATCTCTCCAGCATCCCGGGGGGCCCATCTC-3'
Protein context (NP_001361757.1, residues 777-797): SSQGDQSNPA[Gln787Lys]SPFSPHASPH

ClinVar aggregate classification (germline): Uncertain significance. Review status: criteria provided, single submitter (1 of 4 stars). 2 submissions from 2 submitters: Uncertain significance (1). 1 of the submissions does not count toward it. Last evaluated 2023-05-19.

Conditions:
ARID1B-Related Disorder. Identifiers: MedGen CN381337.

Allele frequency attached by ClinVar (database versions not stated): TOPMed below 0.00001; ExAC 0.00002; gnomAD exomes 0.00003.
gnomAD v4.1: 39 of 1,614,144 alleles (0.0024%); highest among the groups gnomAD compares: Non-Finnish European, 0.0032%; no homozygotes.

Submissions (2):

Labcorp Genetics (formerly Invitae), Labcorp
Classification: Uncertain significance. Last evaluated: 2023-05-19. Review status: criteria provided, single submitter. Criteria: Invitae Variant Classification Sherloc (09022015). Collection method: clinical testing. Allele origin: germline.
Comment: In summary, the available evidence is currently insufficient to determine the role of this variant in disease. Therefore, it has been classified as a Variant of Uncertain Significance. Advanced modeling of protein sequence and biophysical properties (such as structural, functional, and spatial information, amino acid conservation, physicochemical variation, residue mobility, and thermodynamic stability) has been performed at Invitae for this missense variant, however the output from this modeling did not meet the statistical confidence thresholds required to predict the impact of this variant on ARID1B protein function. This variant has not been reported in the literature in individuals affected with ARID1B-related conditions. This variant is present in population databases (rs753933273, gnomAD 0.004%). This sequence change replaces glutamine, which is neutral and polar, with lysine, which is basic and polar, at codon 717 of the ARID1B protein (p.Gln717Lys).

PreventionGenetics, part of Exact Sciences
Classification: Uncertain significance for ARID1B-related condition. Last evaluated: 2024-06-27. Review status: no assertion criteria provided. Collection method: clinical testing. Allele origin: germline. Not counted in ClinVar's aggregate classification.
Comment: The ARID1B c.2149C>A variant is predicted to result in the amino acid substitution p.Gln717Lys. To our knowledge, this variant has not been reported in the literature in individuals with an ARID1B-associated disorder. This variant is reported in 0.0035% of alleles in individuals of European (Non-Finnish) descent in gnomAD. At this time, the clinical significance of this variant is uncertain due to the absence of conclusive functional and genetic evidence.